The following is an entry in ClinVar:

NM_001374736.1(DST):c.12261G>A (p.Val4087=)

Genes: DST (dystonin; minus strand), LOC129996656 (ATAC-STARR-seq lymphoblastoid active region 24702; plus strand). Cytogenetic location: 6p12.1.
Variant type: single nucleotide variant.
Coding change: c.12261G>A on transcript NM_001374736.1 (MANE Select); coding-DNA position 12261, G replaced by A.
Protein change: p.Val4087=; no amino-acid change (valine 4087 retained).
Molecular consequence: synonymous variant.
Genome position (GRCh38, 1-based): chr6:56,594,128, C>T on the plus strand (G>A on the coding strand, the complement: DST is on the minus strand). VCF-style: chr6-56594128-C-T. GRCh37 (hg19) VCF-style: chr6-56458926-C-T.
Other names: c.5904G>A, p.Val1968= (NM_001144769.5); c.5490G>A, p.Val1830= (NM_001144770.2); c.12261G>A, p.Val4087= (NM_001374722.1); c.11628G>A, p.Val3876= (NM_001374729.1); c.5370G>A, p.Val1790= (NM_001374730.1, NM_001386100.1, NM_183380.4); c.12288G>A, p.Val4096= (NM_001374734.1); c.4392G>A, p.Val1464= (NM_015548.5).
Identifiers: ClinVar variation 4999630 (VCV004999630.1).
Genomic context (GRCh38, chr6:56,594,128, plus strand): 5'-GTTCTTTTGCAGTTTCTCTTTTTCTTCAGGAGAGAGATACTGACCCTGTTTCTCAAGCAA[C>T]ACTTGTGCAGACTGAGTGGCTATGATCACTGCTTGGTGCTGAGAGATGATCTTCTCGTGT-3'
Protein context (NP_001361665.1, residues 4077-4097): AVIIATQSAQ[Val4087=]LLEKQGQYLS

ClinVar aggregate classification (germline): Likely benign (1 of 4 stars; one submission).

Conditions:
DST-related disorder. Also called: DST-related condition; DST-related disorders.

Submission:

PreventionGenetics, part of Exact Sciences
Classification: Likely benign for DST-related condition. Last evaluated: 2026-03-25. Review status: criteria provided, single submitter. Criteria: ACMG Guidelines, 2015. Collection method: clinical testing. Allele origin: germline.
Comment: This variant is classified as likely benign based on ACMG/AMP sequence variant interpretation guidelines (Richards et al. 2015 PMID: 25741868, with internal and published modifications).